The following is an entry in ClinVar:

ClinVar aggregate classification (germline): Likely pathogenic (0 of 4 stars; one submission).

Conditions:
Radial aplasia-thrombocytopenia syndrome (TAR). Also called: Thrombocytopenia Absent Radius Syndrome; TAR syndrome. Identifiers: Orphanet 3320, MedGen C0175703, MeSH C536940, MONDO:0010121, OMIM 274000.

Submission:

Clinical Genetics Branch, National Institutes of Health
Classification: Likely pathogenic for Radial aplasia-thrombocytopenia syndrome. Last evaluated: 2019-09-16. Review status: no assertion criteria provided. Collection method: research. Allele origin: germline. Inheritance: Autosomal recessive inheritance. Affected: yes.
Comment: The 1q21.1 TAR-associated deletion in combination with the G variant of rs61746197 on the non-deleted allele is associated with a TAR-like phenotype. rs61746197 G could be a functional enhancer/repressor element but more studies are required to identify the specific factor(s) responsible. Overall, our findings suggest a role of rs61746197 A>G and human disease in the setting of a 1q21.1 deletion on the other chromosome.

NC_000001.11:g.145601946_148597425del

Genes: ACP6 (acid phosphatase 6, lysophosphatidic; minus strand), ANKRD34A (ankyrin repeat domain 34A; minus strand), ANKRD35 (ankyrin repeat domain 35; minus strand), ANKRD35-DT (ANKRD35 divergent transcript; plus strand), BCL9 (BCL9 transcription coactivator; plus strand) and 124 more. Cytogenetic location: 1q21.1-21.2.
Variant type: Deletion.
Identifiers: ClinVar variation 692221 (VCV000692221.2).